The following is an entry in ClinVar:

NM_024741.3(ZNF408):c.1486T>C (p.Phe496Leu)

Gene: ZNF408 (zinc finger protein 408; plus strand). Cytogenetic location: 11p11.2.
Variant type: single nucleotide variant.
Coding change: c.1486T>C on transcript NM_024741.3 (MANE Select); coding-DNA position 1486, T replaced by C.
Protein change: p.Phe496Leu; replaces phenylalanine 496 with leucine.
Molecular consequence: missense variant.
Genome position (GRCh38, 1-based): chr11:46,705,186, T>C. VCF-style: chr11-46705186-T-C. GRCh37 (hg19) VCF-style: chr11-46726736-T-C.
Other names: c.1462T>C, p.Phe488Leu (NM_001184751.2); short protein forms F488L, F496L.
Identifiers: ClinVar variation 4782270 (VCV004782270.1).

ClinVar aggregate classification (germline): Uncertain significance (1 of 4 stars; one submission).

gnomAD v4.1: 2 of 1,611,638 alleles (0.00012%); highest among the groups gnomAD compares: Non-Finnish European, 0.00017%; no homozygotes.

Submission:

Labcorp Genetics (formerly Invitae), Labcorp
Classification: Uncertain significance. Last evaluated: 2026-02-01. Review status: criteria provided, single submitter. Criteria: Invitae Variant Classification Sherloc (09022015). Collection method: clinical testing. Allele origin: germline.
Comment: This sequence change replaces phenylalanine, which is neutral and non-polar, with leucine, which is neutral and non-polar, at codon 496 of the ZNF408 protein (p.Phe496Leu). This variant is not present in population databases (gnomAD no frequency). This variant has not been reported in the literature in individuals affected with ZNF408-related conditions. An algorithm developed to predict the effect of missense changes on protein structure and function (PolyPhen-2) suggests that this variant is likely to be disruptive. In summary, the available evidence is currently insufficient to determine the role of this variant in disease. Therefore, it has been classified as a Variant of Uncertain Significance.